The following is an entry in ClinVar:

ClinVar aggregate classification (germline): Uncertain significance (1 of 4 stars; one submission).

Conditions:
LEPR-related disorder. Also called: LEPR-related disorders; LEPR-related condition.

gnomAD v4.1: 1 of 1,612,890 alleles (0.000062%); highest among the groups gnomAD compares: Non-Finnish European, 0.000085%; no homozygotes.

Submission:

PreventionGenetics, part of Exact Sciences
Classification: Uncertain significance for LEPR-related condition. Last evaluated: 2025-05-13. Review status: criteria provided, single submitter. Criteria: ACMG Guidelines, 2015. Collection method: clinical testing. Allele origin: germline.
Comment: The LEPR c.701T>G variant is predicted to result in the amino acid substitution p.Met234Arg. To our knowledge, this variant has not been reported in the literature or in a large population database (gnomAD), indicating this variant is rare. At this time, the clinical significance of this variant is uncertain due to the absence of conclusive functional and genetic evidence.

NM_002303.6(LEPR):c.701T>G (p.Met234Arg)

Gene: LEPR (leptin receptor; plus strand). Cytogenetic location: 1p31.3.
Variant type: single nucleotide variant.
Coding change: c.701T>G on transcript NM_002303.6 (MANE Select); coding-DNA position 701, T replaced by G.
Protein change: p.Met234Arg; replaces methionine 234 with arginine.
Molecular consequence: missense variant.
Genome position (GRCh38, 1-based): chr1:65,592,863, T>G. VCF-style: chr1-65592863-T-G. GRCh37 (hg19) VCF-style: chr1-66058546-T-G.
Other names: c.701T>G, p.Met234Arg (NM_001003679.3, NM_001003680.3, NM_001198687.2 and 2 more transcripts); short protein forms M234R.
Identifiers: ClinVar variation 4987112 (VCV004987112.1).